The following is an entry in ClinVar:

ClinVar aggregate classification (germline): Pathogenic. Review status: criteria provided, multiple submitters, no conflicts (2 of 4 stars). 9 submissions from 9 submitters: Pathogenic (6). 3 of the submissions do not count toward it. Last evaluated 2026-03-04.

Conditions:
Isolated cerebellar hypoplasia/agenesis (CHEGDD). Also called: Cerebellar hypoplasia/atrophy, epilepsy, and global developmental delay. Identifiers: Orphanet 1398, Orphanet 2246, MedGen C5231391, MONDO:0008939, OMIM 213000.
Intellectual developmental disorder, X-linked, syndromic, Billuart type. Also called: MENTAL RETARDATION, X-LINKED 60; X-linked intellectual disability-cerebellar hypoplasia syndrome. Identifiers: Orphanet 137831, MedGen C1845366, MONDO:0010337, OMIM 300486.
Syndromic X-linked intellectual disability Najm type (MICPCH). Also called: Mental retardation and microcephaly with pontine and cerebellar hypoplasia; Intellectual Disability and Microcephaly with Pontine and Cerebellar Hypoplasia; Intellectual Disability and Microcephaly with Pontine and Cerebellar Hypoplasia (MICPCH); MICPCH SYNDROME; Intellectual developmental disorder and microcephaly with pontine and cerebellar hypoplasia; MENTAL RETARDATION, X-LINKED, SYNDROMIC, NAJM TYPE. Identifiers: Orphanet 163937, MedGen C2677903, MONDO:0010417, OMIM 300749.
Intellectual disability, CASK-related, X-linked. Identifiers: MedGen CN043158.

Submissions (9):

Broad Center for Mendelian Genomics, Broad Institute of MIT and Harvard
Classification: Pathogenic for Intellectual developmental disorder, X-linked, syndromic, Billuart type. Last evaluated: 2026-03-04. Review status: criteria provided, single submitter. Criteria: ACMG Guidelines, 2015. Collection method: research. Allele origin: germline. Inheritance: X-linked inheritance. Study: GREGoR Consortium.
Comment: The p.Arg27X variant in CASK has been reported as a de novo occurrence in at least 3 individuals with features of microcephaly with pontine and cerebellar hypoplasia {Aldinger 2019 PMID: 31474318, Mukherjee 2020 PMID: 32696595, Patel 2022 PMID: 35149592). It was absent from large population studies but has been reported in ClinVar {Variation ID: 195200). This nonsense variant leads to a premature termination codon at position 27, which is predicted to lead to a truncated or absent protein. Loss of function of the CASK gene is an established disease mechanism in X-linked CASK-related disorders. In summary, this variant meets criteria to be classified as pathogenic for X-linked CASK-related disorders. ACMG/AMP Criteria applied: PVSl, PS2_Moderate, PM2_Supporting.

Labcorp Genetics (formerly Invitae), Labcorp
Classification: Pathogenic for Intellectual disability, CASK-related, X-linked. Last evaluated: 2024-08-08. Review status: criteria provided, single submitter. Criteria: Invitae Variant Classification Sherloc (09022015). Collection method: clinical testing. Allele origin: germline.
Comment: This sequence change creates a premature translational stop signal (p.Arg27*) in the CASK gene. It is expected to result in an absent or disrupted protein product. Loss-of-function variants in CASK are known to be pathogenic (PMID: 19165920, 20029458, 21954287, 22452838, 22709267). This variant is not present in population databases (gnomAD no frequency). This premature translational stop signal has been observed in individual(s) with CASK-related conditions (PMID: 21735175, 35670295). ClinVar contains an entry for this variant (Variation ID: 195200). For these reasons, this variant has been classified as Pathogenic.

GeneDx
Classification: Pathogenic. Last evaluated: 2023-05-31. Review status: criteria provided, single submitter. Criteria: GeneDx Variant Classification Process June 2021. Collection method: clinical testing. Allele origin: germline. Affected: yes.
Comment: Nonsense variant predicted to result in protein truncation or nonsense mediated decay in a gene for which loss of function is a known mechanism of disease; Not observed at significant frequency in large population cohorts (gnomAD); This variant is associated with the following publications: (PMID: 28944139, 25326635, 25886057, 22452838, 28783747, 31474318, 31069529, 32696595, 21735175, 35670295)

Revvity Omics, Revvity
Classification: Pathogenic. Last evaluated: 2020-03-31. Review status: criteria provided, single submitter. Criteria: ACMG Guidelines, 2015. Collection method: clinical testing. Allele origin: germline.

Baylor Genetics
Classification: Pathogenic for Syndromic X-linked intellectual disability Najm type. Last evaluated: 2017-09-01. Review status: criteria provided, single submitter. Criteria: ACMG Guidelines, 2015. Collection method: clinical testing. Allele origin: de novo. Inheritance: X-linked inheritance. Affected: yes.

Eurofins Ntd Llc (ga)
Classification: Pathogenic. Last evaluated: 2014-06-12. Review status: criteria provided, single submitter. Criteria: EGL Classification Definitions 2015. Collection method: clinical testing. Allele origin: germline. Observed: 1 variant allele, 1 heterozygote.

OMIM
Classification: Pathogenic for INTELLECTUAL DEVELOPMENTAL DISORDER WITH MICROCEPHALY AND PONTINE AND CEREBELLAR HYPOPLASIA. Last evaluated: 2024-02-12. Review status: no assertion criteria provided. Collection method: literature only. Allele origin: germline. Not counted in ClinVar's aggregate classification.

Dobyns Lab, Seattle Children's Research Institute
Classification: Pathogenic for Mental retardation and microcephaly with pontine and cerebellar hypoplasia. Last evaluated: 2019-02-18. Review status: no assertion criteria provided. Collection method: research. Allele origin: germline. Affected: yes. Observed: 1 variant allele. Not counted in ClinVar's aggregate classification.

University of Washington Center for Mendelian Genomics, University of Washington
Classification: Likely pathogenic for Cerebellar hypoplasia. Review status: no assertion criteria provided. Collection method: research. Allele origin: de novo. Affected: yes. Not counted in ClinVar's aggregate classification.

Literature cited by the submitters: PubMed 19165920 (cited by Labcorp Genetics (formerly Invitae), Labcorp); PubMed 20029458 (cited by Labcorp Genetics (formerly Invitae), Labcorp); PubMed 21954287 (cited by Labcorp Genetics (formerly Invitae), Labcorp); PubMed 22452838 (cited by Labcorp Genetics (formerly Invitae), Labcorp); PubMed 22709267 (cited by Labcorp Genetics (formerly Invitae), Labcorp); PubMed 21735175 (cited by Labcorp Genetics (formerly Invitae), Labcorp and Baylor Genetics); PubMed 35670295 (cited by Labcorp Genetics (formerly Invitae), Labcorp); PubMed 25326635 (cited by Baylor Genetics); PubMed 25886057 (cited by OMIM); PubMed 31474318 (cited by University of Washington Center for Mendelian Genomics, University of Washington).

NM_001367721.1(CASK):c.79C>T (p.Arg27Ter)

Gene: CASK (calcium/calmodulin dependent serine protein kinase; minus strand). Cytogenetic location: Xp11.4.
Variant type: single nucleotide variant.
Coding change: c.79C>T on transcript NM_001367721.1 (MANE Select); coding-DNA position 79, C replaced by T.
Protein change: p.Arg27Ter; replaces arginine 27 with a stop codon.
Molecular consequence: nonsense.
Genome position (GRCh38, 1-based): chrX:41,853,208, G>A on the plus strand (C>T on the coding strand, the complement: CASK is on the minus strand). VCF-style: chrX-41853208-G-A. GRCh37 (hg19) VCF-style: chrX-41712461-G-A.
Other names: NM_001367721.1(CASK):c.79C>T; p.Arg27Ter; c.79C>T, p.Arg27Ter (NM_001126054.3, NM_001126055.3, NM_001410745.1 and 1 more transcripts); short protein forms R27*.
Identifiers: ClinVar variation 195200 (VCV000195200.19), dbSNP rs794727270, ClinGen allele CA201623.